The following is an entry in ClinVar:

NM_001165963.4(SCN1A):c.5641G>C (p.Glu1881Gln)

Genes: SCN1A (sodium voltage-gated channel alpha subunit 1; minus strand), LOC102724058 (uncharacterized LOC102724058; plus strand). Cytogenetic location: 2q24.3.
Variant type: single nucleotide variant.
Coding change: c.5641G>C on transcript NM_001165963.4 (MANE Select); coding-DNA position 5641, G replaced by C.
Protein change: p.Glu1881Gln; replaces glutamic acid 1881 with glutamine.
Molecular consequence: missense variant. On other transcripts: non-coding transcript variant (1).
Genome position (GRCh38, 1-based): chr2:165,991,634, C>G on the plus strand (G>C on the coding strand, the complement: SCN1A is on the minus strand). VCF-style: chr2-165991634-C-G. GRCh37 (hg19) VCF-style: chr2-166848144-C-G.
Other names: c.5557G>C, p.Glu1853Gln (NM_001165964.3, NM_001353957.2, NM_001353958.2); c.5641G>C, p.Glu1881Gln (NM_001202435.3, NM_001353948.2); c.5608G>C, p.Glu1870Gln (NM_001353949.2, NM_001353950.2, NM_001353951.2 and 2 more transcripts); c.5605G>C, p.Glu1869Gln (NM_001353954.2, NM_001353955.2); c.5554G>C, p.Glu1852Gln (NM_001353960.2); c.3199G>C, p.Glu1067Gln (NM_001353961.2); short protein forms E1067Q, E1852Q, E1853Q, E1869Q, E1870Q, E1881Q.
Identifiers: ClinVar variation 4888178 (VCV004888178.1).
Genomic context (GRCh38, chr2:165,991,634, plus strand): 5'-CCTTGGAAGGATTGGAAGCCATGAATCGCTCTTCCATCTGTATTCGTAGAGCATCCATCT[C>G]TCCACTCTCTCCTAGAACCCGCTTTGTAAAAGCAAATAAGATATCAAGACAGTGGATCCG-3'
Protein context (NP_001159435.1, residues 1871-1891): FTKRVLGESG[Glu1881Gln]MDALRIQMEE

ClinVar aggregate classification (germline): Uncertain significance (1 of 4 stars; one submission).

Submission:

GeneDx
Classification: Uncertain significance. Last evaluated: 2026-02-13. Review status: criteria provided, single submitter. Criteria: GeneDx Variant Classification Process June 2021. Collection method: clinical testing. Allele origin: germline.
Comment: Not observed at significant frequency in large population cohorts (gnomAD); In silico analysis supports that this missense variant has a deleterious effect on protein structure/function; Has not been previously published as pathogenic or benign to our knowledge; This variant is associated with the following publications: (PMID: 22409937, 14504318)